The following is an entry in ClinVar:

ClinVar aggregate classification (germline): Likely pathogenic (1 of 4 stars; one submission).

Conditions:
Retinitis pigmentosa 3. Also called: CHOROIDORETINAL DEGENERATION WITH RETINAL REFLEX IN HETEROZYGOUS WOMEN. Identifiers: Orphanet 791, MedGen C1845667, MONDO:0010227, OMIM 300029.

Submission:

3billion
Classification: Likely pathogenic for Retinitis pigmentosa 3. Last evaluated: 2024-01-11. Review status: criteria provided, single submitter. Criteria: ACMG Guidelines, 2015. Collection method: clinical testing. Allele origin: germline. Affected: yes.
Comment: The variant is not observed in the gnomAD v2.1.1 dataset. Predicted Consequence/Location: Frameshift: predicted to result in a loss or disruption of normal protein function through nonsense-mediated decay (NMD) or protein truncation. Multiple pathogenic variants are reported downstream of the variant. Therefore, this variant is classified as Likely pathogenic according to the recommendation of ACMG/AMP guideline.

NM_001034853.2(RPGR):c.843del (p.Phe281fs)

Gene: RPGR (retinitis pigmentosa GTPase regulator; minus strand). Cytogenetic location: Xp11.4.
Variant type: Deletion.
Coding change: c.843del on transcript NM_001034853.2 (MANE Select); coding-DNA position 843, one base deleted (T; older notation c.843delT).
Protein change: p.Phe281fs; shifts the reading frame from phenylalanine 281.
Molecular consequence: frameshift variant. On other transcripts: non-coding transcript variant (5).
Genome position (GRCh38, 1-based): chrX:38,304,726, A deleted on the plus strand (T on the coding strand, the reverse complement: RPGR is on the minus strand); the first of 5 consecutive A bases (chrX:38,304,726-38,304,730); deleting any one gives the same sequence. VCF-style (leftmost placement, unchanged base first): chrX-38304725-CA-C. GRCh37 (hg19) VCF-style: chrX-38163978-CA-C.
Other names: c.843del, p.Phe281fs (NM_000328.3, NM_001367246.1, NM_001367247.1 and 1 more transcripts); c.840del, p.Phe280fs (NM_001367245.1, NM_001367249.1, NM_001367250.1); c.873del, p.Phe291fs (NM_001367248.1); short protein forms F280fs, F281fs, F291fs.
Identifiers: ClinVar variation 3775316 (VCV003775316.1).